The following is an entry in ClinVar:

NM_032590.5(KDM2B):c.3522G>T (p.Leu1174=)

Gene: KDM2B (lysine demethylase 2B; minus strand). Cytogenetic location: 12q24.31.
Variant type: single nucleotide variant.
Coding change: c.3522G>T on transcript NM_032590.5 (MANE Select); coding-DNA position 3522, G replaced by T.
Protein change: p.Leu1174=; no amino-acid change (leucine 1174 retained).
Molecular consequence: synonymous variant.
Genome position (GRCh38, 1-based): chr12:121,440,904, C>A on the plus strand (G>T on the coding strand, the complement: KDM2B is on the minus strand). VCF-style: chr12-121440904-C-A. GRCh37 (hg19) VCF-style: chr12-121878707-C-A.
Other names: c.3315G>T, p.Leu1105= (NM_001005366.2).
Identifiers: ClinVar variation 784262 (VCV000784262.7), dbSNP rs34606562, ClinGen allele CA6836199.
Genomic context (GRCh38, chr12:121,440,904, plus strand): 5'-GAGATCCCGCATCTGGGCATCCTTTAGTCCCTCCACCCACTGGACATCCAGGGTCCGGAG[C>A]AGCGGACAACTGGAGCTGCAAAGGGCCGAGACCGCGATCCATGAGCAGCCTGACAGCACC-3'
Protein context (NP_115979.3, residues 1164-1184): VSALCSSSCP[Leu1174=]LRTLDVQWVE

ClinVar aggregate classification (germline): Benign. Review status: criteria provided, multiple submitters, no conflicts (2 of 4 stars). 3 submissions from 3 submitters: Benign (2). 1 of the submissions does not count toward it. Last evaluated 2019-12-31.

Conditions:
KDM2B-related disorder. Also called: KDM2B-related condition.

Allele frequency attached by ClinVar (database versions not stated): gnomAD exomes 0.00716 and 0.00275; 1000 Genomes Project 0.02875; TOPMed 0.03315; ExAC 0.00848; 1000 Genomes Project 30x 0.03107; gnomAD 0.03197 and 0.02972; ESP Exome Variant Server 0.03081.
gnomAD v4.1: 8,688 of 1,614,024 alleles (0.54%); highest among the groups gnomAD compares: African/African-American, 10%; 439 homozygotes.

Submissions (3):

Labcorp Genetics (formerly Invitae), Labcorp
Classification: Benign. Last evaluated: 2019-12-31. Review status: criteria provided, single submitter. Criteria: Invitae Variant Classification Sherloc (09022015). Collection method: clinical testing. Allele origin: germline.

Breakthrough Genomics
Classification: Benign. Review status: criteria provided, single submitter. Criteria: ACMG Guidelines, 2015. Collection method: not provided. Allele origin: germline. Inheritance: Unknown mechanism. Affected: yes.

PreventionGenetics, part of Exact Sciences
Classification: Benign for KDM2B-related condition. Last evaluated: 2019-09-18. Review status: no assertion criteria provided. Collection method: clinical testing. Allele origin: germline. Not counted in ClinVar's aggregate classification.
Comment: This variant is classified as benign based on ACMG/AMP sequence variant interpretation guidelines (Richards et al. 2015 PMID: 25741868, with internal and published modifications).